The following is an entry in ClinVar:

ClinVar aggregate classification (germline): Benign/Likely benign. Review status: criteria provided, multiple submitters, no conflicts (2 of 4 stars). 4 submissions from 4 submitters: Benign (1); Likely benign (2). 1 of the submissions does not count toward it. Last evaluated 2026-05-11.

Conditions:
MECOM-related disorder. Also called: MECOM-related condition.
Inborn genetic diseases. Identifiers: MedGen C0950123, MeSH D030342.

Allele frequency attached by ClinVar (database versions not stated): gnomAD exomes 0.00002; TOPMed 0.00002; gnomAD 0.00004; ExAC 0.00007; 1000 Genomes Project 30x 0.00016; 1000 Genomes Project 0.00020.
gnomAD v4.1: 29 of 1,614,094 alleles (0.0018%); highest among the groups gnomAD compares: East Asian, 0.053%; no homozygotes.

Submissions (4):

PreventionGenetics, part of Exact Sciences
Classification: Likely benign for MECOM-related condition. Last evaluated: 2026-05-11. Review status: criteria provided, single submitter. Criteria: ACMG Guidelines, 2015. Collection method: clinical testing. Allele origin: germline.
Comment: This variant is classified as likely benign based on ACMG/AMP sequence variant interpretation guidelines (Richards et al. 2015 PMID: 25741868, with internal and published modifications).

Labcorp Genetics (formerly Invitae), Labcorp
Classification: Benign. Last evaluated: 2025-08-06. Review status: criteria provided, single submitter. Criteria: Invitae Variant Classification Sherloc (09022015). Collection method: clinical testing. Allele origin: germline.

Ambry Genetics
Classification: Likely benign for Inborn genetic diseases. Last evaluated: 2024-12-07. Review status: criteria provided, single submitter. Criteria: Ambry Variant Classification Scheme 2023. Collection method: clinical testing. Allele origin: germline.

Genetic Services Laboratory, University of Chicago
Classification: Likely benign. Last evaluated: 2022-06-24. Review status: no assertion criteria provided. Collection method: clinical testing. Allele origin: germline. Affected: no. Not counted in ClinVar's aggregate classification.

NM_004991.4(MECOM):c.1950G>A (p.Glu650=)

Gene: MECOM (MDS1 and EVI1 complex locus; minus strand). Cytogenetic location: 3q26.2.
Variant type: single nucleotide variant.
Coding change: c.1950G>A on transcript NM_004991.4 (MANE Select); coding-DNA position 1950, G replaced by A.
Protein change: p.Glu650=; no amino-acid change (glutamic acid 650 retained).
Molecular consequence: synonymous variant. On other transcripts: intron variant (2).
Genome position (GRCh38, 1-based): chr3:169,115,922, C>T on the plus strand (G>A on the coding strand, the complement: MECOM is on the minus strand). VCF-style: chr3-169115922-C-T. GRCh37 (hg19) VCF-style: chr3-168833710-C-T.
Other names: c.1581G>A, p.Glu527= (NM_001105077.4); c.1386G>A, p.Glu462= (NM_001105078.4, NM_001164000.2, NM_001205194.2 and 4 more transcripts); c.1389G>A, p.Glu463= (NM_001163999.2, NM_001366467.2, NM_001366468.2 and 1 more transcripts); c.1950G>A, p.Glu650= (NM_001366466.2); c.1133-155G>A (NM_001366473.2); c.569-155G>A (NM_001366474.2); c.1950G>A (NM_004991.3).
Identifiers: ClinVar variation 2443174 (VCV002443174.6), dbSNP rs200733656, ClinGen allele CA2696269.